The following is an entry in ClinVar:

ClinVar aggregate classification (germline): Uncertain significance (1 of 4 stars; one submission).

Conditions:
Singleton-Merten syndrome 1 (SGMRT1). Also called: Widened medullary cavities of bone, aortic calcification, abnormal dentition, and muscular weakness; Syndrome of widened medullary cavities of the metacarpals and phalanges, aortic calcification and abnormal dentition. Identifiers: Orphanet 85191, MedGen C4225427, MONDO:0024535, OMIM 182250.
Aicardi-Goutieres syndrome 7 (AGS7). Identifiers: Orphanet 51, MedGen C3888244, MONDO:0014367, OMIM 615846.

gnomAD v4.1: 1 of 1,612,444 alleles (0.000062%); highest among the groups gnomAD compares: Non-Finnish European, 0.000085%; no homozygotes.

Submission:

Labcorp Genetics (formerly Invitae), Labcorp
Classification: Uncertain significance for Aicardi-Goutieres syndrome 7; Singleton-Merten syndrome 1. Last evaluated: 2025-08-24. Review status: criteria provided, single submitter. Criteria: Invitae Variant Classification Sherloc (09022015). Collection method: clinical testing. Allele origin: germline.
Comment: This sequence change replaces leucine, which is neutral and non-polar, with proline, which is neutral and non-polar, at codon 701 of the IFIH1 protein (p.Leu701Pro). This variant is not present in population databases (gnomAD no frequency). This variant has not been reported in the literature in individuals affected with IFIH1-related conditions. Invitae Evidence Modeling of protein sequence and biophysical properties (such as structural, functional, and spatial information, amino acid conservation, physicochemical variation, residue mobility, and thermodynamic stability) has been performed for this missense variant. However, the output from this modeling did not meet the statistical confidence thresholds required to predict the impact of this variant on IFIH1 protein function. In summary, the available evidence is currently insufficient to determine the role of this variant in disease. Therefore, it has been classified as a Variant of Uncertain Significance.

NM_022168.4(IFIH1):c.2102T>C (p.Leu701Pro)

Gene: IFIH1 (interferon induced with helicase C domain 1; minus strand). Cytogenetic location: 2q24.2.
Variant type: single nucleotide variant.
Coding change: c.2102T>C on transcript NM_022168.4 (MANE Select); coding-DNA position 2102, T replaced by C.
Protein change: p.Leu701Pro; replaces leucine 701 with proline.
Molecular consequence: missense variant.
Genome position (GRCh38, 1-based): chr2:162,276,889, A>G on the plus strand (T>C on the coding strand, the complement: IFIH1 is on the minus strand). VCF-style: chr2-162276889-A-G. GRCh37 (hg19) VCF-style: chr2-163133399-A-G.
Other names: short protein forms L701P.
Identifiers: ClinVar variation 4789310 (VCV004789310.1).